The following is an entry in ClinVar:

NM_000492.4(CFTR):c.1927A>G (p.Lys643Glu)

Gene: CFTR (CF transmembrane conductance regulator; plus strand). Cytogenetic location: 7q31.2.
Variant type: single nucleotide variant.
Coding change: c.1927A>G on transcript NM_000492.4 (MANE Select); coding-DNA position 1927, A replaced by G.
Protein change: p.Lys643Glu; replaces lysine 643 with glutamic acid.
Molecular consequence: missense variant.
Genome position (GRCh38, 1-based): chr7:117,592,094, A>G. VCF-style: chr7-117592094-A-G. GRCh37 (hg19) VCF-style: chr7-117232148-A-G.
Other names: short protein forms K643E.
Identifiers: ClinVar variation 3231838 (VCV003231838.1), dbSNP rs2485109490, ClinGen allele CA368978846.

ClinVar aggregate classification (germline): Uncertain significance (1 of 4 stars; one submission).

Conditions:
Cystic fibrosis (CF). Also called: MUCOVISCIDOSIS. Identifiers: Orphanet 586, MedGen C0010674, MONDO:0009061, OMIM 219700. Disease mechanism: loss of function.

Allele frequency attached by ClinVar (database versions not stated): gnomAD exomes below 0.00001.
gnomAD v4.1: 2 of 1,613,992 alleles (0.00012%); highest among the groups gnomAD compares: Non-Finnish European, 0.00017%; no homozygotes.

Submission:

Ambry Genetics
Classification: Uncertain significance for Cystic fibrosis. Last evaluated: 2024-01-09. Review status: criteria provided, single submitter. Criteria: Ambry Variant Classification Scheme 2023. Collection method: clinical testing. Allele origin: germline.
Comment: The p.K643E variant (also known as c.1927A>G), located in coding exon 14 of the CFTR gene, results from an A to G substitution at nucleotide position 1927. The lysine at codon 643 is replaced by glutamic acid, an amino acid with similar properties. This amino acid position is not well conserved in available vertebrate species. In addition, the in silico prediction for this alteration is inconclusive. Since supporting evidence is limited at this time, the clinical significance of this alteration remains unclear.